The following is an entry in ClinVar:

ClinVar aggregate classification (germline): Uncertain significance (1 of 4 stars; one submission).

Conditions:
Multiple endocrine neoplasia, type 1 (MEN1). Also called: MEN I; WERMER SYNDROME; Endocrine adenomatosis multiple; MEN 1; MEA I. Identifiers: Orphanet 652, MedGen C0025267, MeSH D018761, MONDO:0007540, OMIM 131100.

Submission:

Labcorp Genetics (formerly Invitae), Labcorp
Classification: Uncertain significance for Multiple endocrine neoplasia, type 1. Last evaluated: 2022-12-29. Review status: criteria provided, single submitter. Criteria: Invitae Variant Classification Sherloc (09022015). Collection method: clinical testing. Allele origin: germline.
Comment: This sequence change replaces serine, which is neutral and polar, with tyrosine, which is neutral and polar, at codon 402 of the MEN1 protein (p.Ser402Tyr). This variant is not present in population databases (gnomAD no frequency). This variant has not been reported in the literature in individuals affected with MEN1-related conditions. Advanced modeling of protein sequence and biophysical properties (such as structural, functional, and spatial information, amino acid conservation, physicochemical variation, residue mobility, and thermodynamic stability) performed at Invitae indicates that this missense variant is expected to disrupt MEN1 protein function. In summary, the available evidence is currently insufficient to determine the role of this variant in disease. Therefore, it has been classified as a Variant of Uncertain Significance.

NM_001370259.2(MEN1):c.1205C>A (p.Ser402Tyr)

Gene: MEN1 (menin 1; minus strand). Cytogenetic location: 11q13.1.
Variant type: single nucleotide variant.
Coding change: c.1205C>A on transcript NM_001370259.2 (MANE Select); coding-DNA position 1205, C replaced by A.
Protein change: p.Ser402Tyr; replaces serine 402 with tyrosine.
Molecular consequence: missense variant. On other transcripts: non-coding transcript variant (4), intron variant (1).
Genome position (GRCh38, 1-based): chr11:64,805,179, G>T on the plus strand (C>A on the coding strand, the complement: MEN1 is on the minus strand). VCF-style: chr11-64805179-G-T. GRCh37 (hg19) VCF-style: chr11-64572651-G-T.
Other names: c.1220C>A, p.Ser407Tyr (NM_000244.4, NM_130800.3, NM_130801.3 and 4 more transcripts); c.1331C>A, p.Ser444Tyr (NM_001370251.2, NM_001407142.1, NM_001407143.1 and 1 more transcripts); c.1205C>A, p.Ser402Tyr (NM_001370260.2, NM_001370261.2, NM_130799.3 and 2 more transcripts); c.1100C>A, p.Ser367Tyr (NM_001370262.2, NM_001370263.2, NM_001407148.1 and 1 more transcripts); c.1226C>A, p.Ser409Tyr (NM_001407151.1); c.1186-363C>A (NM_001407152.1); c.1346C>A, p.Ser449Tyr (NM_001407150.1); short protein forms S402Y, S409Y, S444Y, S449Y, S367Y, S407Y.
Identifiers: ClinVar variation 2824870 (VCV002824870.3), dbSNP rs2497146804, ClinGen allele CA381180766.